The following is an entry in ClinVar:

ClinVar aggregate classification (germline): Uncertain significance. Review status: criteria provided, multiple submitters, no conflicts (2 of 4 stars). 2 submissions from 2 submitters: Uncertain significance (2). Last evaluated 2023-10-13.

Conditions:
Inborn genetic diseases. Identifiers: MedGen C0950123, MeSH D030342.

Allele frequency attached by ClinVar (database versions not stated): gnomAD 0.00001; gnomAD exomes 0.00001; TOPMed 0.00001.
gnomAD v4.1: 11 of 1,611,970 alleles (0.00068%); highest among the groups gnomAD compares: Non-Finnish European, 0.00093%; no homozygotes.

Submissions (2):

Ambry Genetics
Classification: Uncertain significance for Inborn genetic diseases. Last evaluated: 2023-10-13. Review status: criteria provided, single submitter. Criteria: Ambry Variant Classification Scheme 2023. Collection method: clinical testing. Allele origin: germline.

Labcorp Genetics (formerly Invitae), Labcorp
Classification: Uncertain significance. Last evaluated: 2022-10-08. Review status: criteria provided, single submitter. Criteria: Invitae Variant Classification Sherloc (09022015). Collection method: clinical testing. Allele origin: germline.
Comment: This sequence change replaces tryptophan, which is neutral and slightly polar, with glycine, which is neutral and non-polar, at codon 1471 of the ATR protein (p.Trp1471Gly). This variant is not present in population databases (gnomAD no frequency). This variant has not been reported in the literature in individuals affected with ATR-related conditions. Algorithms developed to predict the effect of missense changes on protein structure and function are either unavailable or do not agree on the potential impact of this missense change (SIFT: "Tolerated"; PolyPhen-2: "Probably Damaging"; Align-GVGD: "Class C0"). In summary, the available evidence is currently insufficient to determine the role of this variant in disease. Therefore, it has been classified as a Variant of Uncertain Significance.

NM_001184.4(ATR):c.4411T>G (p.Trp1471Gly)

Gene: ATR (ATR checkpoint kinase; minus strand). Cytogenetic location: 3q23.
Variant type: single nucleotide variant.
Coding change: c.4411T>G on transcript NM_001184.4 (MANE Select); coding-DNA position 4411, T replaced by G.
Protein change: p.Trp1471Gly; replaces tryptophan 1471 with glycine.
Molecular consequence: missense variant.
Genome position (GRCh38, 1-based): chr3:142,515,487, A>C on the plus strand (T>G on the coding strand, the complement: ATR is on the minus strand). VCF-style: chr3-142515487-A-C. GRCh37 (hg19) VCF-style: chr3-142234329-A-C.
Other names: c.4219T>G, p.Trp1407Gly (NM_001354579.2); short protein forms W1471G, W1407G.
Identifiers: ClinVar variation 1740408 (VCV001740408.4), dbSNP rs941600870, ClinGen allele CA84720702.
Genomic context (GRCh38, chr3:142,515,487, plus strand): 5'-ACCATTCTGCAAAGTTACTACCCAATTTACTTAAGTAAATTGGCTTCTTTACTCCAGACC[A>C]ATCGGTTGACTTCTGAGAACTCTTGTATCTGTAATTTTGAAAATTTGTTTATTAAAAAGA-3'
Protein context (NP_001175.2, residues 1461-1481): RYKSSQKSTD[Trp1471Gly]SGVKKPIYLS